The following is an entry in ClinVar:

NM_001347995.2(ENTREP1):c.583-7C>T

Gene: ENTREP1 (endosomal transmembrane epsin interactor 1; plus strand). Cytogenetic location: 9q21.12.
Variant type: single nucleotide variant.
Coding change: c.583-7C>T on transcript NM_001347995.2 (MANE Select); 7 bases into the intron before coding-DNA position 583, C replaced by T.
Molecular consequence: intron variant.
Genome position (GRCh38, 1-based): chr9:69,375,729, C>T. VCF-style: chr9-69375729-C-T. GRCh37 (hg19) VCF-style: chr9-71990645-C-T.
Other names: c.124-7C>T (NM_001127608.3, NM_004816.5).
Identifiers: ClinVar variation 508095 (VCV000508095.2), dbSNP rs4351475, ClinGen allele CA5074155.

ClinVar aggregate classification (germline): Benign (1 of 4 stars; one submission).

Allele frequency attached by ClinVar (database versions not stated): 1000 Genomes Project 30x 0.30528; ESP Exome Variant Server 0.30532; 1000 Genomes Project 0.31310; TOPMed 0.31383; gnomAD 0.32542 and 0.33155; ExAC 0.39492; gnomAD exomes 0.40133 and 0.40580.
gnomAD v4.1: 636,783 of 1,600,520 alleles (40%); highest among the groups gnomAD compares: Admixed American, 48%; 131,948 homozygotes.

Submission:

GeneDx
Classification: Benign. Last evaluated: 2017-05-09. Review status: criteria provided, single submitter. Criteria: GeneDx Variant Classification (06012015). Collection method: clinical testing. Allele origin: germline. Affected: yes.
Comment: This variant is considered likely benign or benign based on one or more of the following criteria: it is a conservative change, it occurs at a poorly conserved position in the protein, it is predicted to be benign by multiple in silico algorithms, and/or has population frequency not consistent with disease.